The following is an entry in ClinVar:

ClinVar aggregate classification (germline): Uncertain significance (1 of 4 stars; one submission).

Submission:

Labcorp Genetics (formerly Invitae), Labcorp
Classification: Uncertain significance. Last evaluated: 2023-12-09. Review status: criteria provided, single submitter. Criteria: Invitae Variant Classification Sherloc (09022015). Collection method: clinical testing. Allele origin: germline.
Comment: This sequence change replaces isoleucine, which is neutral and non-polar, with phenylalanine, which is neutral and non-polar, at codon 549 of the RELA protein (p.Ile549Phe). This variant is not present in population databases (gnomAD no frequency). This variant has not been reported in the literature in individuals affected with RELA-related conditions. An algorithm developed to predict the effect of missense changes on protein structure and function (PolyPhen-2) suggests that this variant is likely to be tolerated. In summary, the available evidence is currently insufficient to determine the role of this variant in disease. Therefore, it has been classified as a Variant of Uncertain Significance.

NM_021975.4(RELA):c.1645A>T (p.Ile549Phe)

Gene: RELA (RELA proto-oncogene, NF-kB subunit; minus strand). Cytogenetic location: 11q13.1.
Variant type: single nucleotide variant.
Coding change: c.1645A>T on transcript NM_021975.4 (MANE Select); coding-DNA position 1645, A replaced by T.
Protein change: p.Ile549Phe; replaces isoleucine 549 with phenylalanine.
Molecular consequence: missense variant.
Genome position (GRCh38, 1-based): chr11:65,654,389, T>A on the plus strand (A>T on the coding strand, the complement: RELA is on the minus strand). VCF-style: chr11-65654389-T-A. GRCh37 (hg19) VCF-style: chr11-65421860-T-A.
Other names: c.1636A>T, p.Ile546Phe (NM_001145138.2); c.1438A>T, p.Ile480Phe (NM_001243984.2); c.1336A>T, p.Ile446Phe (NM_001243985.2); c.1678A>T, p.Ile560Phe (NM_001404657.1); c.1618A>T, p.Ile540Phe (NM_001404658.1); c.1432A>T, p.Ile478Phe (NM_001404659.1); c.1327A>T, p.Ile443Phe (NM_001404660.1); c.1264A>T, p.Ile422Phe (NM_001404661.1); and 1 more; short protein forms I446F, I560F, I480F, I549F, I422F, I518F, I540F, I443F.
Identifiers: ClinVar variation 2859368 (VCV002859368.3), dbSNP rs2496822224, ClinGen allele CA381386036.